The following is an entry in ClinVar:

ClinVar aggregate classification (germline): Uncertain significance. Review status: criteria provided, multiple submitters, no conflicts (2 of 4 stars). 2 submissions from 2 submitters: Uncertain significance (2). Last evaluated 2023-07-10.

Conditions:
Cohen syndrome (COH1). Also called: Cutis verticis gyrata, retinitis pigmentosa, and sensorineural deafness; PEPPER SYNDROME. Identifiers: Orphanet 193, MedGen C0265223, MONDO:0008999, OMIM 216550.
Inborn genetic diseases. Identifiers: MedGen C0950123, MeSH D030342.

Allele frequency attached by ClinVar (database versions not stated): gnomAD 0.00001; TOPMed 0.00001.
gnomAD v4.1: 6 of 1,613,292 alleles (0.00037%); highest among the groups gnomAD compares: African/African-American, 0.0013%; no homozygotes.

Submissions (2):

Ambry Genetics
Classification: Uncertain significance for Inborn genetic diseases. Last evaluated: 2023-07-10. Review status: criteria provided, single submitter. Criteria: Ambry Variant Classification Scheme 2023. Collection method: clinical testing. Allele origin: germline.

Labcorp Genetics (formerly Invitae), Labcorp
Classification: Uncertain significance for Cohen syndrome. Last evaluated: 2022-07-09. Review status: criteria provided, single submitter. Criteria: Invitae Variant Classification Sherloc (09022015). Collection method: clinical testing. Allele origin: germline.
Comment: This sequence change replaces asparagine, which is neutral and polar, with histidine, which is basic and polar, at codon 1543 of the VPS13B protein (p.Asn1543His). The frequency data for this variant in the population databases is considered unreliable, as metrics indicate poor data quality at this position in the gnomAD database. This variant has not been reported in the literature in individuals affected with VPS13B-related conditions. Algorithms developed to predict the effect of missense changes on protein structure and function are either unavailable or do not agree on the potential impact of this missense change (SIFT: "Not Available"; PolyPhen-2: "Benign"; Align-GVGD: "Not Available"). In summary, the available evidence is currently insufficient to determine the role of this variant in disease. Therefore, it has been classified as a Variant of Uncertain Significance.

NM_152564.5(VPS13B):c.4552A>C (p.Asn1518His)

Gene: VPS13B (vacuolar protein sorting 13 homolog B; plus strand). Cytogenetic location: 8q22.2.
Variant type: single nucleotide variant.
Coding change: c.4552A>C on transcript NM_152564.5 (MANE Select); coding-DNA position 4552, A replaced by C.
Protein change: p.Asn1518His; replaces asparagine 1518 with histidine.
Molecular consequence: missense variant.
Genome position (GRCh38, 1-based): chr8:99,511,431, A>C. VCF-style: chr8-99511431-A-C. GRCh37 (hg19) VCF-style: chr8-100523659-A-C.
Other names: c.4627A>C (NM_017890.3); c.4627A>C, p.Asn1543His (NM_017890.5); short protein forms N1518H, N1543H.
Identifiers: ClinVar variation 1948669 (VCV001948669.4), dbSNP rs760899771, ClinGen allele CA371871877.
Genomic context (GRCh38, chr8:99,511,431, plus strand): 5'-CAAAAAGAGAAAAGAAAATCTCCTGGTCAGCCCATGAGGACCCATACACTGACATCCCGC[A>C]ATTTACCTTTGATTTATGTCAACACAAGTGTAATCAGAATTTTTATTCCAAAAACAGAAG-3'
Protein context (NP_689777.3, residues 1508-1528): PMRTHTLTSR[Asn1518His]LPLIYVNTSV